The following is an entry in ClinVar:

NM_130837.3(OPA1):c.2778G>A (p.Glu926=)

Gene: OPA1 (OPA1 mitochondrial dynamin like GTPase; plus strand). Cytogenetic location: 3q29.
Variant type: single nucleotide variant.
Coding change: c.2778G>A on transcript NM_130837.3 (MANE Select); coding-DNA position 2778, G replaced by A.
Protein change: p.Glu926=; no amino-acid change (glutamic acid 926 retained).
Molecular consequence: synonymous variant.
Genome position (GRCh38, 1-based): chr3:193,664,996, G>A. VCF-style: chr3-193664996-G-A. GRCh37 (hg19) VCF-style: chr3-193382785-G-A.
Other names: c.2244G>A, p.Glu748= (NM_001354663.2); c.2241G>A, p.Glu747= (NM_001354664.2); c.2613G>A, p.Glu871= (NM_015560.3); c.2505G>A, p.Glu835= (NM_130831.3); c.2559G>A, p.Glu853= (NM_130832.3); c.2616G>A, p.Glu872= (NM_130833.3); c.2667G>A, p.Glu889= (NM_130834.3); c.2670G>A, p.Glu890= (NM_130835.3); and 1 more.
Identifiers: ClinVar variation 2819966 (VCV002819966.3), dbSNP rs2475167221, ClinGen allele CA437441831.
Genomic context (GRCh38, chr3:193,664,996, plus strand): 5'-CCATTGTAACCTTTGTCGAAGAGGTTTTTATTACTACCAAAGGCATTTTGTAGATTCTGA[G>A]GTAAGGTTTCCAAAAACAAAGAGAAGTATTTTTAAGCAACAGTTGTCAAAATATGCTTAA-3'
Protein context (NP_570850.2, residues 916-936): YYYQRHFVDS[Glu926=]LECNDVVLFW

ClinVar aggregate classification (germline): Uncertain significance (1 of 4 stars; one submission).

Allele frequency attached by ClinVar (database versions not stated): gnomAD exomes below 0.00001.
gnomAD v4.1: 3 of 1,504,182 alleles (0.0002%); highest among the groups gnomAD compares: Non-Finnish European, 0.00019%; no homozygotes.

Submission:

Labcorp Genetics (formerly Invitae), Labcorp
Classification: Uncertain significance. Last evaluated: 2024-07-30. Review status: criteria provided, single submitter. Criteria: Invitae Variant Classification Sherloc (09022015). Collection method: clinical testing. Allele origin: germline.
Comment: This sequence change affects codon 871 of the OPA1 mRNA. It is a 'silent' change, meaning that it does not change the encoded amino acid sequence of the OPA1 protein. This variant also falls at the last nucleotide of exon 25, which is part of the consensus splice site for this exon. This variant is not present in population databases (gnomAD no frequency). This variant has not been reported in the literature in individuals affected with OPA1-related conditions. Variants that disrupt the consensus splice site are a relatively common cause of aberrant splicing (PMID: 17576681, 9536098). Algorithms developed to predict the effect of sequence changes on RNA splicing suggest that this variant may disrupt the consensus splice site. In summary, the available evidence is currently insufficient to determine the role of this variant in disease. Therefore, it has been classified as a Variant of Uncertain Significance.

Literature cited by the submitters: PubMed 17576681; PubMed 9536098.